The following is an entry in ClinVar:

ClinVar aggregate classification (germline): Likely pathogenic (1 of 4 stars; one submission).

Conditions:
Autosomal recessive limb-girdle muscular dystrophy type 2J (LGMDR10). Also called: Limb-girdle muscular dystrophy, type 2J; MUSCULAR DYSTROPHY, LIMB-GIRDLE, AUTOSOMAL RECESSIVE 10. Identifiers: Orphanet 140922, MedGen C1837342, MONDO:0012127, OMIM 608807.
Dilated cardiomyopathy 1G (CMD1G). Identifiers: Orphanet 154, MedGen C1858763, MONDO:0011400, OMIM 604145.

Submission:

Labcorp Genetics (formerly Invitae), Labcorp
Classification: Likely pathogenic for Dilated cardiomyopathy 1G; Autosomal recessive limb-girdle muscular dystrophy type 2J. Last evaluated: 2025-07-28. Review status: criteria provided, single submitter. Criteria: Invitae Variant Classification Sherloc (09022015). Collection method: clinical testing. Allele origin: germline.
Comment: This sequence change creates a premature translational stop signal (p.Leu32255*) in the TTN gene. While this is not anticipated to result in nonsense mediated decay, it is expected to create a truncated TTN protein. This variant is not present in population databases (gnomAD no frequency). This variant has not been reported in the literature in individuals affected with TTN-related conditions. This variant is located in the A band of TTN (PMID: 25589632). Truncating variants in this region are significantly overrepresented in patients affected with dilated cardiomyopathy (PMID: 25589632). Truncating variants in this region have also been reported in individuals affected with autosomal recessive centronuclear myopathy (PMID: 23975875). In summary, the currently available evidence indicates that the variant is pathogenic, but additional data are needed to prove that conclusively. Therefore, this variant has been classified as Likely Pathogenic.

Literature cited by the submitters: PubMed 25589632; PubMed 23975875.

NM_001267550.2(TTN):c.96764T>G (p.Leu32255Ter)

Genes: TTN (titin; minus strand), TTN-AS1 (TTN antisense RNA 1; plus strand), LOC126806421 (CDK7 strongly-dependent group 2 enhancer GRCh37_chr2:179407630-179408829; plus strand). Cytogenetic location: 2q31.2.
Variant type: single nucleotide variant.
Coding change: c.96764T>G on transcript NM_001267550.2 (MANE Select); coding-DNA position 96764, T replaced by G.
Protein change: p.Leu32255Ter; replaces leucine 32255 with a stop codon.
Molecular consequence: nonsense.
Genome position (GRCh38, 1-based): chr2:178,543,209, A>C on the plus strand (T>G on the coding strand, the complement: TTN is on the minus strand). VCF-style: chr2-178543209-A-C. GRCh37 (hg19) VCF-style: chr2-179407936-A-C.
Other names: c.91841T>G, p.Leu30614Ter (NM_001256850.1); c.69569T>G, p.Leu23190Ter (NM_003319.4); c.89060T>G, p.Leu29687Ter (NM_133378.4); c.69944T>G, p.Leu23315Ter (NM_133432.3); c.70145T>G, p.Leu23382Ter (NM_133437.4); short protein forms L29687*, L32255*, L30614*, L23190*, L23315*, L23382*.
Identifiers: ClinVar variation 4785643 (VCV004785643.1).